The following is an entry in ClinVar:

NM_001048174.2(MUTYH):c.19G>C (p.Ala7Pro)

Gene: MUTYH (mutY DNA glycosylase; minus strand). Cytogenetic location: 1p34.1.
Variant type: single nucleotide variant.
Coding change: c.19G>C on transcript NM_001048174.2 (MANE Select); coding-DNA position 19, G replaced by C.
Protein change: p.Ala7Pro; replaces alanine 7 with proline.
Molecular consequence: missense variant. On other transcripts: 5 prime UTR variant (4), non-coding transcript variant (2).
Genome position (GRCh38, 1-based): chr1:45,334,487, C>G on the plus strand (G>C on the coding strand, the complement: MUTYH is on the minus strand). VCF-style: chr1-45334487-C-G. GRCh37 (hg19) VCF-style: chr1-45800159-C-G.
Other names: c.19G>C, p.Ala7Pro (NM_001048171.2, NM_001048172.2, NM_001048173.2 and 2 more transcripts); c.61G>C, p.Ala21Pro (NM_001128425.2, NM_001293190.2, NM_012222.3); c.-194G>C (NM_001293192.2, NM_001293196.2); c.-253G>C (NM_001350650.2); c.-189G>C (NM_001350651.2); c.61G>C (NM_001128425.1); short protein forms A7P, A21P.
Identifiers: ClinVar variation 1396109 (VCV001396109.9), dbSNP rs943979644, ClinGen allele CA21840925.
Genomic context (GRCh38, chr1:45,334,487, plus strand): 5'-TAGCATGCTTCTGCCTCCCTTCCTGGCTGGCTGCCTGCTTCCTGTGACCACTTCCCACGG[C>G]TGCTCGTGGCTTCCTCATGATGGCCTGAAACAAAAAGACCCAGCCAAAGCAGTCAGTCAC-3'
Protein context (NP_001041639.1, residues 1-17): MRKPRA[Ala7Pro]VGSGHRKQAA

ClinVar aggregate classification (germline): Conflicting classifications of pathogenicity. Review status: criteria provided, conflicting classifications (1 of 4 stars). 2 submissions from 2 submitters: Uncertain significance (1); Benign (1). Last evaluated 2025-11-27.

Conditions:
Familial adenomatous polyposis 2. Also called: Adenomas, multiple colorectal; MYH-associated polyposis; COLORECTAL ADENOMATOUS POLYPOSIS, AUTOSOMAL RECESSIVE; ADENOMAS, MULTIPLE COLORECTAL, AUTOSOMAL RECESSIVE; FAP type 2; MUTYH Polyposis. Identifiers: Orphanet 220460, Orphanet 247798, MedGen C3272841, MONDO:0012041, OMIM 608456.
Hereditary cancer-predisposing syndrome. Also called: Tumor predisposition; Neoplastic Syndromes, Hereditary; Hereditary Cancer Syndrome; Hereditary neoplastic syndrome. Identifiers: Orphanet 140162, MedGen C0027672, MeSH D009386, MONDO:0015356.

Allele frequency attached by ClinVar (database versions not stated): gnomAD exomes below 0.00001.
gnomAD v4.1: 2 of 1,614,104 alleles (0.00012%); highest among the groups gnomAD compares: Non-Finnish European, 0.00017%; no homozygotes.

Submissions (2):

Labcorp Genetics (formerly Invitae), Labcorp
Classification: Uncertain significance for Familial adenomatous polyposis 2. Last evaluated: 2025-11-27. Review status: criteria provided, single submitter. Criteria: Invitae Variant Classification Sherloc (09022015). Collection method: clinical testing. Allele origin: germline.
Comment: This sequence change replaces alanine, which is neutral and non-polar, with proline, which is neutral and non-polar, at codon 21 of the MUTYH protein (p.Ala21Pro). This variant is not present in population databases (gnomAD no frequency). This variant has not been reported in the literature in individuals affected with MUTYH-related conditions. ClinVar contains an entry for this variant (Variation ID: 1396109). An algorithm developed to predict the effect of missense changes on protein structure and function (PolyPhen-2) suggests that this variant is likely to be disruptive. In summary, the available evidence is currently insufficient to determine the role of this variant in disease. Therefore, it has been classified as a Variant of Uncertain Significance.

Ambry Genetics
Classification: Benign for Hereditary cancer-predisposing syndrome. Last evaluated: 2025-11-20. Review status: criteria provided, single submitter. Criteria: Ambry Variant Classification Scheme 2023. Collection method: clinical testing. Allele origin: germline.